The following is an entry in ClinVar:

NM_005097.4(LGI1):c.720C>A (p.Asp240Glu)

Gene: LGI1 (leucine rich glioma inactivated 1; plus strand). Cytogenetic location: 10q23.33.
Variant type: single nucleotide variant.
Coding change: c.720C>A on transcript NM_005097.4 (MANE Select); coding-DNA position 720, C replaced by A.
Protein change: p.Asp240Glu; replaces aspartic acid 240 with glutamic acid.
Molecular consequence: missense variant. On other transcripts: non-coding transcript variant (1).
Genome position (GRCh38, 1-based): chr10:93,793,232, C>A. VCF-style: chr10-93793232-C-A. GRCh37 (hg19) VCF-style: chr10-95552989-C-A.
Other names: c.720C>A (NM_005097.2); c.720C>A, p.Asp240Glu (NM_001308275.2); c.576C>A, p.Asp192Glu (NM_001308276.2); short protein forms D192E, D240E.
Identifiers: ClinVar variation 1412976 (VCV001412976.10), dbSNP rs2059951179, ClinGen allele CA377624081.

ClinVar aggregate classification (germline): Conflicting classifications of pathogenicity. Review status: criteria provided, conflicting classifications (1 of 4 stars). 2 submissions from 2 submitters: Uncertain significance (1); Likely benign (1). Last evaluated 2025-11-04.

Conditions:
Autosomal dominant epilepsy with auditory features. Identifiers: Orphanet 101046, MedGen C1838062, MONDO:0010898.
Inborn genetic diseases. Identifiers: MedGen C0950123, MeSH D030342.

Allele frequency attached by ClinVar (database versions not stated): gnomAD exomes below 0.00001.
gnomAD v4.1: 3 of 1,613,254 alleles (0.00019%); highest among the groups gnomAD compares: Non-Finnish European, 0.00025%; no homozygotes.

Submissions (2):

Labcorp Genetics (formerly Invitae), Labcorp
Classification: Uncertain significance for Autosomal dominant epilepsy with auditory features. Last evaluated: 2025-11-04. Review status: criteria provided, single submitter. Criteria: Invitae Variant Classification Sherloc (09022015). Collection method: clinical testing. Allele origin: germline.
Comment: This sequence change replaces aspartic acid, which is acidic and polar, with glutamic acid, which is acidic and polar, at codon 240 of the LGI1 protein (p.Asp240Glu). This variant is not present in population databases (gnomAD no frequency). This variant has not been reported in the literature in individuals affected with LGI1-related conditions. ClinVar contains an entry for this variant (Variation ID: 1412976). Invitae Evidence Modeling of protein sequence and biophysical properties (such as structural, functional, and spatial information, amino acid conservation, physicochemical variation, residue mobility, and thermodynamic stability) indicates that this missense variant is not expected to disrupt LGI1 protein function with a negative predictive value of 80%. In summary, the available evidence is currently insufficient to determine the role of this variant in disease. Therefore, it has been classified as a Variant of Uncertain Significance.

Ambry Genetics
Classification: Likely benign for Inborn genetic diseases. Last evaluated: 2024-10-02. Review status: criteria provided, single submitter. Criteria: Ambry Variant Classification Scheme 2023. Collection method: clinical testing. Allele origin: germline.